The following is an entry in ClinVar:

NM_006846.4(SPINK5):c.81+5G>A

Gene: SPINK5 (serine peptidase inhibitor Kazal type 5; plus strand). Cytogenetic location: 5q32.
Variant type: single nucleotide variant.
Coding change: c.81+5G>A on transcript NM_006846.4 (MANE Select); 5 bases into the intron after coding-DNA position 81, G replaced by A.
Molecular consequence: intron variant.
Genome position (GRCh38, 1-based): chr5:148,065,377, G>A. VCF-style: chr5-148065377-G-A. GRCh37 (hg19) VCF-style: chr5-147444940-G-A.
Other names: c.81+5G>A (NM_001127698.2, NM_001127699.2).
Identifiers: ClinVar variation 835648 (VCV000835648.12), dbSNP rs771730802, ClinGen allele CA3495096.

ClinVar aggregate classification (germline): Pathogenic/Likely pathogenic. Review status: criteria provided, multiple submitters, no conflicts (2 of 4 stars). 3 submissions from 3 submitters: Pathogenic (1); Likely pathogenic (2). Last evaluated 2024-10-21.

Conditions:
Ichthyosis linearis circumflexa. Identifiers: MedGen C0265962, MONDO:0043106, HP:0025810.
SPINK5-related disorder. Also called: SPINK5-related condition.

Allele frequency attached by ClinVar (database versions not stated): TOPMed below 0.00001; gnomAD 0.00001; gnomAD exomes 0.00001 and 0.00003; ExAC 0.00002.
gnomAD v4.1: 37 of 1,613,322 alleles (0.0023%); highest among the groups gnomAD compares: Non-Finnish European, 0.0031%; no homozygotes.

Submissions (3):

Blueprint Genetics
Classification: Likely pathogenic for SPINK5-related disorders. Last evaluated: 2024-10-21. Review status: criteria provided, single submitter. Criteria: ACMG Guidelines, 2015. Collection method: clinical testing. Allele origin: germline. Affected: yes. Observed: 2 variant alleles.

GeneDx
Classification: Pathogenic. Last evaluated: 2024-09-04. Review status: criteria provided, single submitter. Criteria: GeneDx Variant Classification Process June 2021. Collection method: clinical testing. Allele origin: germline. Affected: yes.
Comment: Observed with a pathogenic variant in a patient with Netherton syndrome from the published literature, but it is not known whether the variants occurred on the same (in cis) or on different (in trans) chromosomes (PMID: 11841556); Non-canonical splice site variant demonstrated to result in loss-of-function (PMID: 11841556); Not observed at significant frequency in large population cohorts (gnomAD); This variant is associated with the following publications: (PMID: 11841556, 33534181, 34851365)

Labcorp Genetics (formerly Invitae), Labcorp
Classification: Likely pathogenic for Ichthyosis linearis circumflexa. Last evaluated: 2023-03-17. Review status: criteria provided, single submitter. Criteria: Invitae Variant Classification Sherloc (09022015). Collection method: clinical testing. Allele origin: germline.
Comment: In summary, the currently available evidence indicates that the variant is pathogenic, but additional data are needed to prove that conclusively. Therefore, this variant has been classified as Likely Pathogenic. Variants that disrupt the consensus splice site are a relatively common cause of aberrant splicing (PMID: 17576681, 9536098). Studies have shown that this variant results in activation of a cryptic splice donor site and introduces a premature termination codon (PMID: 11841556). The resulting mRNA is expected to undergo nonsense-mediated decay. ClinVar contains an entry for this variant (Variation ID: 835648). This variant has been observed in individual(s) with Netherton syndrome (PMID: 11841556). In at least one individual the data is consistent with being in trans (on the opposite chromosome) from a pathogenic variant. This variant is present in population databases (rs771730802, gnomAD 0.002%). This sequence change falls in intron 2 of the SPINK5 gene. It does not directly change the encoded amino acid sequence of the SPINK5 protein. RNA analysis indicates that this variant induces altered splicing and may result in an absent or disrupted protein product.

Literature cited by the submitters: PubMed 17576681 (cited by Labcorp Genetics (formerly Invitae), Labcorp); PubMed 9536098 (cited by Labcorp Genetics (formerly Invitae), Labcorp); PubMed 11841556 (cited by Labcorp Genetics (formerly Invitae), Labcorp).